The following is an entry in ClinVar:

ClinVar aggregate classification (germline): Uncertain significance (1 of 4 stars; one submission).

Submission:

GeneDx
Classification: Uncertain significance. Last evaluated: 2022-06-16. Review status: criteria provided, single submitter. Criteria: GeneDx Variant Classification Process June 2021. Collection method: clinical testing. Allele origin: germline. Affected: yes.
Comment: In-frame deletion of 6 amino acids in a non-repeat region; Not observed at significant frequency in large population cohorts (gnomAD); In silico analysis supports a deleterious effect on protein structure/function; Has not been previously published as pathogenic or benign to our knowledge

NM_003070.5(SMARCA2):c.879_896del (p.Gln296_Ala301del)

Gene: SMARCA2 (SWI/SNF related BAF chromatin remodeling complex subunit ATPase 2; plus strand). Cytogenetic location: 9p24.3.
Variant type: Deletion.
Coding change: c.879_896del on transcript NM_003070.5 (MANE Select); coding-DNA positions 879 to 896, 18 bases deleted (AGCCGCGCAGCCGCCCGC).
Protein change: p.Gln296_Ala301del.
Molecular consequence: inframe deletion. On other transcripts: inframe indel (1).
Genome position (GRCh38, 1-based): chr9:2,047,317-2,047,334, AGCCGCGCAGCCGCCCGC deleted; deleting any 18 consecutive bases within chr9:2,047,312-2,047,334 gives the same sequence; the c. name uses the placement nearest the transcript's 3' end. VCF-style (leftmost placement, unchanged base first): chr9-2047311-CCCCGCAGCCGCGCAGCCG-C. GRCh37 (hg19) VCF-style: chr9-2047311-CCCCGCAGCCGCGCAGCCG-C.
Other names: c.879_896del18, p.Gln296_Ala301del (NM_001289396.2); c.879_896del, p.Gln296_Ala301del (NM_001289397.2, NM_139045.4).
Identifiers: ClinVar variation 1804594 (VCV001804594.1), dbSNP rs1246500736, ClinGen allele CA862012880.